The following is an entry in ClinVar:

NM_001379029.1(CERT1):c.1201G>C (p.Val401Leu)

Gene: CERT1 (ceramide transporter 1; minus strand). Cytogenetic location: 5q13.3.
Variant type: single nucleotide variant.
Coding change: c.1201G>C on transcript NM_001379029.1 (MANE Select); coding-DNA position 1201, G replaced by C.
Protein change: p.Val401Leu; replaces valine 401 with leucine.
Molecular consequence: missense variant.
Genome position (GRCh38, 1-based): chr5:75,389,675, C>G on the plus strand (G>C on the coding strand, the complement: CERT1 is on the minus strand). VCF-style: chr5-75389675-C-G. GRCh37 (hg19) VCF-style: chr5-74685500-C-G.
Other names: c.1585G>C, p.Val529Leu (NM_001130105.1); c.1201G>C, p.Val401Leu (NM_001379002.1, NM_005713.3); c.1123G>C, p.Val375Leu (NM_001379003.1, NM_001379004.1, NM_031361.3); short protein forms V375L, V401L, V529L.
Identifiers: ClinVar variation 1804870 (VCV001804870.1), dbSNP rs114564914, ClinGen allele CA360143480.

ClinVar aggregate classification (germline): Uncertain significance (1 of 4 stars; one submission).

Submission:

Women's Health and Genetics/Laboratory Corporation of America, LabCorp
Classification: Uncertain significance. Last evaluated: 2022-10-28. Review status: criteria provided, single submitter. Criteria: LabCorp Variant Classification Summary - May 2015. Collection method: clinical testing. Allele origin: germline.
Comment: Variant summary: COL4A3BP c.1585G>C (p.Val529Leu) results in a conservative amino acid change located in the START domain (IPR002913) of the encoded protein sequence. Four of five in-silico tools predict a benign effect of the variant on protein function. The variant was absent in 251152 control chromosomes. The available data on variant occurrences in the general population are insufficient to allow any conclusion about variant significance. To our knowledge, no occurrence of c.1585G>C in individuals affected with Intellectual Disability, Autosomal Dominant 34 and no experimental evidence demonstrating its impact on protein function have been reported. No clinical diagnostic laboratories have submitted clinical-significance assessments for this variant to ClinVar after 2014. Based on the evidence outlined above, the variant was classified as uncertain significance.